The following is an entry in ClinVar:

NM_001001433.3(STX16):c.*3110G>T

Genes: STX16 (syntaxin 16; plus strand), STX16-NPEPL1 (STX16-NPEPL1 readthrough (NMD candidate); plus strand). Cytogenetic location: 20q13.32.
Variant type: single nucleotide variant.
Coding change: c.*3110G>T on transcript NM_001001433.3 (MANE Select); 3110 bases downstream of the stop codon, G replaced by T.
Molecular consequence: 3 prime UTR variant. On other transcripts: non-coding transcript variant (3).
Genome position (GRCh38, 1-based): chr20:58,679,401, G>T. VCF-style: chr20-58679401-G-T. GRCh37 (hg19) VCF-style: chr20-57254457-G-T.
Other names: c.*3110G>T (NM_001134772.3, NM_001134773.3, NM_001204868.2 and 1 more transcripts).
Identifiers: ClinVar variation 898658 (VCV000898658.4), dbSNP rs148669648, ClinGen allele CA316315144.

ClinVar aggregate classification (germline): Benign (1 of 4 stars; one submission).

Conditions:
Pseudohypoparathyroidism type 1B (PHP1B). Also called: Pseudohypoparathyroidism Ib (PHP-Ib); Pseudohypoparathyroidism Type IB; PHP IB. Identifiers: Orphanet 94089, MedGen C1864100, MONDO:0011301, OMIM 603233.

Allele frequency attached by ClinVar (database versions not stated): TOPMed 0.00025; gnomAD 0.00027 and 0.00028; 1000 Genomes Project 30x 0.00031; 1000 Genomes Project 0.00040.

Submission:

Illumina Laboratory Services, Illumina
Classification: Benign for Pseudohypoparathyroidism type 1B. Last evaluated: 2018-01-13. Review status: criteria provided, single submitter. Criteria: ICSL Variant Classification Criteria 13 December 2019. Collection method: clinical testing. Allele origin: germline.
Comment: This variant was observed in the ICSL laboratory as part of a predisposition screen in an ostensibly healthy population. It had not been previously curated by ICSL or reported in the Human Gene Mutation Database (HGMD: prior to June 1st, 2018), and was therefore a candidate for classification through an automated scoring system. Utilizing variant allele frequency, disease prevalence and penetrance estimates, and inheritance mode, an automated score was calculated to assess if this variant is too frequent to cause the disease. Based on the score and internal cut-off values, a variant classified as benign is not then subjected to further curation. The score for this variant resulted in a classification of benign for this disease.